The following is an entry in ClinVar:

NM_000059.4(BRCA2):c.5507A>G (p.Asn1836Ser)

Gene: BRCA2 (BRCA2 DNA repair associated; plus strand). Cytogenetic location: 13q13.1.
Variant type: single nucleotide variant.
Coding change: c.5507A>G on transcript NM_000059.4 (MANE Select); coding-DNA position 5507, A replaced by G.
Protein change: p.Asn1836Ser; replaces asparagine 1836 with serine.
Molecular consequence: missense variant.
Genome position (GRCh38, 1-based): chr13:32,339,862, A>G. VCF-style: chr13-32339862-A-G. GRCh37 (hg19) VCF-style: chr13-32913999-A-G.
Other names: short protein forms N1836S.
Identifiers: ClinVar variation 944775 (VCV000944775.12), dbSNP rs80358773, ClinGen allele CA387785824.
Genomic context (GRCh38, chr13:32,339,862, plus strand): 5'-GCTCTTCACCCTGCAAAAATAAAAATGCAGCCATTAAATTGTCCATATCTAATAGTAATA[A>G]TTTTGAGGTAGGGCCACCTGCATTTAGGATAGCCAGTGGTAAAATCGTTTGTGTTTCACA-3'
Protein context (NP_000050.3, residues 1826-1846): AIKLSISNSN[Asn1836Ser]FEVGPPAFRI

ClinVar aggregate classification (germline): Conflicting classifications of pathogenicity. Review status: criteria provided, conflicting classifications (1 of 4 stars). 3 submissions from 3 submitters: Uncertain significance (2); Likely benign (1). Last evaluated 2025-12-07.

Conditions:
Hereditary cancer-predisposing syndrome. Also called: Neoplastic Syndromes, Hereditary; Hereditary Cancer Syndrome; Tumor predisposition; Hereditary neoplastic syndrome. Identifiers: Orphanet 140162, MedGen C0027672, MeSH D009386, MONDO:0015356.
Hereditary breast ovarian cancer syndrome. Also called: Hereditary breast and ovarian cancer syndrome (HBOC); Hereditary breast and ovarian cancer; Breast and ovarian cancer; BRCA1- and BRCA2-Associated Hereditary Breast and Ovarian Cancer; Hereditary breast and ovarian cancer syndrome; Hereditary breast and/or ovarian cancer syndrome. Identifiers: Orphanet 145, MedGen C0677776, MeSH D061325, MONDO:0003582. Disease mechanism: loss of function.

Submissions (3):

Ambry Genetics
Classification: Uncertain significance for Hereditary cancer-predisposing syndrome. Last evaluated: 2025-12-07. Review status: criteria provided, single submitter. Criteria: Ambry Variant Classification Scheme 2023. Collection method: clinical testing. Allele origin: germline.
Comment: The p.N1836S variant (also known as c.5507A>G), located in coding exon 10 of the BRCA2 gene, results from an A to G substitution at nucleotide position 5507. The asparagine at codon 1836 is replaced by serine, an amino acid with highly similar properties. This amino acid position is conserved. In addition, this alteration is predicted to be tolerated by in silico analysis. Based on the available evidence, the clinical significance of this variant remains unclear.

University of Washington Department of Laboratory Medicine, University of Washington
Classification: Likely benign for Hereditary cancer-predisposing syndrome. Last evaluated: 2023-03-23. Review status: criteria provided, single submitter. Criteria: Dines et al. (Genet Med. 2020). Collection method: curation. Allele origin: germline.
Comment: Missense variant in a coldspot region where missense variants are very unlikely to be pathogenic (PMID:31911673).

BRCA2 exon 11 coldspot. Reclassification based on statistical prior probability.

Labcorp Genetics (formerly Invitae), Labcorp
Classification: Uncertain significance for Hereditary breast ovarian cancer syndrome. Last evaluated: 2019-07-25. Review status: criteria provided, single submitter. Criteria: Invitae Variant Classification Sherloc (09022015). Collection method: clinical testing. Allele origin: germline.
Comment: This sequence change replaces asparagine with serine at codon 1836 of the BRCA2 protein (p.Asn1836Ser). The asparagine residue is weakly conserved and there is a small physicochemical difference between asparagine and serine. This variant is not present in population databases (ExAC no frequency). This variant has not been reported in the literature in individuals with BRCA2-related conditions. Algorithms developed to predict the effect of missense changes on protein structure and function output the following: SIFT: "Tolerated"; PolyPhen-2: "Benign"; Align-GVGD: "Class C0". The serine amino acid residue is found in multiple mammalian species, suggesting that this missense change does not adversely affect protein function. These predictions have not been confirmed by published functional studies and their clinical significance is uncertain. In summary, the available evidence is currently insufficient to determine the role of this variant in disease. Therefore, it has been classified as a Variant of Uncertain Significance.